The following is an entry in ClinVar:

NM_013275.6(ANKRD11):c.6020C>T (p.Pro2007Leu)

Gene: ANKRD11 (ankyrin repeat domain 11; minus strand). Cytogenetic location: 16q24.3.
Variant type: single nucleotide variant.
Coding change: c.6020C>T on transcript NM_013275.6 (MANE Select); coding-DNA position 6020, C replaced by T.
Protein change: p.Pro2007Leu; replaces proline 2007 with leucine.
Molecular consequence: missense variant.
Genome position (GRCh38, 1-based): chr16:89,280,522, G>A on the plus strand (C>T on the coding strand, the complement: ANKRD11 is on the minus strand). VCF-style: chr16-89280522-G-A. GRCh37 (hg19) VCF-style: chr16-89346930-G-A.
Other names: c.6020C>T, p.Pro2007Leu (NM_001256182.2, NM_001256183.2); short protein forms P2007L.
Identifiers: ClinVar variation 377319 (VCV000377319.43), dbSNP rs200531141, ClinGen allele CA8241635.

ClinVar aggregate classification (germline): Benign/Likely benign. Review status: criteria provided, multiple submitters, no conflicts (2 of 4 stars). 8 submissions from 8 submitters: Benign (3); Likely benign (4). 1 of the submissions does not count toward it. Last evaluated 2026-01-19.

Conditions:
KBG syndrome (KBGS). Also called: ANKRD11-Related KBG Syndrome. Identifiers: Orphanet 2332, MedGen C0220687, MONDO:0007846, OMIM 148050.
Inborn genetic diseases. Identifiers: MedGen C0950123, MeSH D030342.
ANKRD11-related disorder. Also called: ANKRD11-related condition.

Allele frequency attached by ClinVar (database versions not stated): ExAC 0.00042; ESP Exome Variant Server 0.00115; gnomAD 0.00119 and 0.00124; TOPMed 0.00136; 1000 Genomes Project 0.00220; 1000 Genomes Project 30x 0.00265.
gnomAD v4.1: 406 of 1,611,518 alleles (0.025%); highest among the groups gnomAD compares: African/African-American, 0.44%; no homozygotes.

Submissions (8):

Labcorp Genetics (formerly Invitae), Labcorp
Classification: Benign for KBG syndrome. Last evaluated: 2026-01-19. Review status: criteria provided, single submitter. Criteria: Invitae Variant Classification Sherloc (09022015). Collection method: clinical testing. Allele origin: germline.

Blueprint Genetics
Classification: Likely benign. Last evaluated: 2024-09-07. Review status: criteria provided, single submitter. Criteria: ACMG Guidelines, 2015. Collection method: clinical testing. Allele origin: germline.

CeGaT Center for Human Genetics Tuebingen
Classification: Likely benign. Last evaluated: 2024-02-01. Review status: criteria provided, single submitter. Criteria: CeGaT Center For Human Genetics Tuebingen Variant Classification Criteria Version 2. Collection method: clinical testing. Allele origin: germline. Affected: yes. Observed: 2 variant alleles.
Comment: ANKRD11: BP4, BS1

Genome-Nilou Lab
Classification: Benign for KBG syndrome. Last evaluated: 2021-12-05. Review status: criteria provided, single submitter. Criteria: ACMG Guidelines, 2015. Collection method: clinical testing. Allele origin: germline. Affected: no.

GeneDx
Classification: Benign. Last evaluated: 2019-06-03. Review status: criteria provided, single submitter. Criteria: GeneDx Variant Classification Process June 2021. Collection method: clinical testing. Allele origin: germline. Affected: yes.

Ambry Genetics
Classification: Likely benign for Inborn genetic diseases. Last evaluated: 2017-09-21. Review status: criteria provided, single submitter. Criteria: Ambry Variant Classification Scheme 2023. Collection method: clinical testing. Allele origin: germline.

Center for Pediatric Genomic Medicine, Children's Mercy Hospital and Clinics
Classification: Likely benign. Last evaluated: 2016-12-02. Review status: criteria provided, single submitter. Criteria: ACMG Guidelines, 2015. Collection method: clinical testing. Allele origin: germline.
ClinVar note: Converted during submission from Likely Benign to Likely benign.

PreventionGenetics, part of Exact Sciences
Classification: Benign for ANKRD11-related condition. Last evaluated: 2019-07-29. Review status: no assertion criteria provided. Collection method: clinical testing. Allele origin: germline. Not counted in ClinVar's aggregate classification.
Comment: This variant is classified as benign based on ACMG/AMP sequence variant interpretation guidelines (Richards et al. 2015 PMID: 25741868, with internal and published modifications).